The following is an entry in ClinVar:

NM_000179.3(MSH6):c.1059_1063del (p.Ser353fs)

Gene: MSH6 (mutS homolog 6; plus strand). Cytogenetic location: 2p16.3.
Variant type: Deletion.
Coding change: c.1059_1063del on transcript NM_000179.3 (MANE Select); coding-DNA positions 1059 to 1063, 5 bases deleted (TGGAG; older notation c.1059_1063delTGGAG).
Protein change: p.Ser353fs; shifts the reading frame from serine 353.
Molecular consequence: frameshift variant.
Genome position (GRCh38, 1-based): chr2:47,799,042-47,799,046, TGGAG deleted; deleting any 5 consecutive bases within chr2:47,799,040-47,799,046 gives the same sequence; the c. name uses the placement nearest the transcript's 3' end. VCF-style (leftmost placement, unchanged base first): chr2-47799039-TAGTGG-T. GRCh37 (hg19) VCF-style: chr2-48026178-TAGTGG-T.
Other names: c.669_673del, p.Ser223fs (NM_001281492.2); c.153_157del, p.Ser51fs (NM_001281493.2, NM_001281494.2); c.1059_1063delTGGAG (NM_000179.2); short protein forms S223fs, S51fs, S353fs.
Identifiers: ClinVar variation 185642 (VCV000185642.6), dbSNP rs786202336, ClinGen allele CA007923.

ClinVar aggregate classification (germline): Pathogenic. Review status: criteria provided, multiple submitters, no conflicts (2 of 4 stars). 2 submissions from 2 submitters: Pathogenic (2). Last evaluated 2023-08-11.

Conditions:
Hereditary cancer-predisposing syndrome. Also called: Hereditary neoplastic syndrome; Neoplastic Syndromes, Hereditary; Tumor predisposition; Hereditary Cancer Syndrome. Identifiers: Orphanet 140162, MedGen C0027672, MeSH D009386, MONDO:0015356.
Lynch syndrome 5 (LYNCH5). Also called: Hereditary non-polyposis colorectal cancer, type 5; Colorectal cancer, hereditary nonpolyposis, type 5. Identifiers: Orphanet 144, MedGen C1833477, MONDO:0013710, OMIM 614350. Disease mechanism: loss of function.

Submissions (2):

Myriad Genetics, Inc.
Classification: Pathogenic for Lynch syndrome 5. Last evaluated: 2023-08-11. Review status: criteria provided, single submitter. Criteria: Myriad Autosomal Dominant, Autosomal Recessive and X-Linked Classification Criteria (2023). Collection method: clinical testing. Allele origin: unknown.
Comment: This variant is considered pathogenic. This variant creates a frameshift predicted to result in premature protein truncation.

Ambry Genetics
Classification: Pathogenic for Hereditary cancer-predisposing syndrome. Last evaluated: 2016-02-24. Review status: criteria provided, single submitter. Criteria: Ambry Variant Classification Scheme 2023. Collection method: clinical testing. Allele origin: germline.
Comment: The c.1059_1063delTGGAG pathogenic mutation, located in coding exon 4 of the MSH6 gene, results from a deletion of 5 nucleotides at positions 1059 and 1063, causing a translational frameshift with a predicted alternate stop codon. Since frameshifts are typically deleterious in nature, this alteration is interpreted as a disease-causing mutation (ACMG Recommendations for Standards for Interpretation and Reporting of Sequence Variations. Revision 2007. Genet Med. 2008;10:294).